The following is an entry in ClinVar:

NM_001378418.1(TCF20):c.3468T>C (p.Ser1156=)

Gene: TCF20 (transcription factor 20; minus strand). Cytogenetic location: 22q13.2.
Variant type: single nucleotide variant.
Coding change: c.3468T>C on transcript NM_001378418.1 (MANE Select); coding-DNA position 3468, T replaced by C.
Protein change: p.Ser1156=; no amino-acid change (serine 1156 retained).
Molecular consequence: synonymous variant.
Genome position (GRCh38, 1-based): chr22:42,211,838, A>G on the plus strand (T>C on the coding strand, the complement: TCF20 is on the minus strand). VCF-style: chr22-42211838-A-G. GRCh37 (hg19) VCF-style: chr22-42607844-A-G.
Other names: c.3468T>C, p.Ser1156= (NM_005650.4, NM_181492.3).
Identifiers: ClinVar variation 2653248 (VCV002653248.24), dbSNP rs2518215828, ClinGen allele CA514801804.

ClinVar aggregate classification (germline): Likely benign (1 of 4 stars; one submission).

Submission:

CeGaT Center for Human Genetics Tuebingen
Classification: Likely benign. Last evaluated: 2026-07-01. Review status: criteria provided, single submitter. Criteria: CeGaT Center For Human Genetics Tuebingen Variant Classification Criteria Version 2. Collection method: clinical testing. Allele origin: germline. Affected: yes. Observed: 5 variant alleles.
Comment: TCF20: PM2:Supporting, BP4, BP7